The following is an entry in ClinVar:

NM_144701.3(IL23R):c.1327C>A (p.Pro443Thr)

Gene: IL23R (interleukin 23 receptor; plus strand). Cytogenetic location: 1p31.3.
Variant type: single nucleotide variant.
Coding change: c.1327C>A on transcript NM_144701.3 (MANE Select); coding-DNA position 1327, C replaced by A.
Protein change: p.Pro443Thr; replaces proline 443 with threonine.
Molecular consequence: missense variant.
Genome position (GRCh38, 1-based): chr1:67,258,565, C>A. VCF-style: chr1-67258565-C-A. GRCh37 (hg19) VCF-style: chr1-67724248-C-A.
Other names: short protein forms P443T.
Identifiers: ClinVar variation 4806821 (VCV004806821.1).

ClinVar aggregate classification (germline): Uncertain significance (1 of 4 stars; one submission).

Submission:

Labcorp Genetics (formerly Invitae), Labcorp
Classification: Uncertain significance. Last evaluated: 2025-09-11. Review status: criteria provided, single submitter. Criteria: Invitae Variant Classification Sherloc (09022015). Collection method: clinical testing. Allele origin: germline.
Comment: This sequence change replaces proline, which is neutral and non-polar, with threonine, which is neutral and polar, at codon 443 of the IL23R protein (p.Pro443Thr). This variant is not present in population databases (gnomAD no frequency). This variant has not been reported in the literature in individuals affected with IL23R-related conditions. An algorithm developed to predict the effect of missense changes on protein structure and function (PolyPhen-2) suggests that this variant is likely to be disruptive. In summary, the available evidence is currently insufficient to determine the role of this variant in disease. Therefore, it has been classified as a Variant of Uncertain Significance.